The following is an entry in ClinVar:

NM_000368.5(TSC1):c.*1785A>G

Gene: TSC1 (TSC complex subunit 1; minus strand). Cytogenetic location: 9q34.13.
Variant type: single nucleotide variant.
Coding change: c.*1785A>G on transcript NM_000368.5 (MANE Select); 1785 bases downstream of the stop codon, A replaced by G.
Molecular consequence: 3 prime UTR variant.
Genome position (GRCh38, 1-based): chr9:132,894,450, T>C on the plus strand (A>G on the coding strand, the complement: TSC1 is on the minus strand). VCF-style: chr9-132894450-T-C. GRCh37 (hg19) VCF-style: chr9-135769837-T-C.
Other names: c.*1785A>G (NM_001162426.2, NM_001162427.2, NM_001362177.2).
Identifiers: ClinVar variation 365469 (VCV000365469.5), dbSNP rs74362385, ClinGen allele CA10632984.

ClinVar aggregate classification (germline): Benign. Review status: criteria provided, single submitter (1 of 4 stars). 2 submissions from 1 submitter: Benign (2). Last evaluated 2018-01-13.

Conditions:
Isolated focal cortical dysplasia type II (FCORD2). Also called: CORTICAL DYSPLASIA OF TAYLOR; Focal cortical dysplasia type II. Identifiers: Orphanet 268994, MedGen C1846385, MONDO:0011818, OMIM 607341, HP:0032051.
Tuberous sclerosis 1 (TSC1). Identifiers: Orphanet 805, MedGen C1854465, MONDO:0008612, OMIM 191100.

Allele frequency attached by ClinVar (database versions not stated): gnomAD exomes 0.00231; gnomAD 0.01296 and 0.01398; TOPMed 0.01432; 1000 Genomes Project 0.01518; 1000 Genomes Project 30x 0.01577.
gnomAD v4.1: 2,148 of 228,776 alleles (0.94%); highest among the groups gnomAD compares: African/African-American, 4.4%; 42 homozygotes.

Submissions (2):

Illumina Laboratory Services, Illumina
Classification: Benign for Tuberous sclerosis 1. Last evaluated: 2018-01-13. Review status: criteria provided, single submitter. Criteria: ICSL Variant Classification Criteria 13 December 2019. Collection method: clinical testing. Allele origin: germline.
Comment: This variant was observed in the ICSL laboratory as part of a predisposition screen in an ostensibly healthy population. It had not been previously curated by ICSL or reported in the Human Gene Mutation Database (HGMD: prior to June 1st, 2018), and was therefore a candidate for classification through an automated scoring system. Utilizing variant allele frequency, disease prevalence and penetrance estimates, and inheritance mode, an automated score was calculated to assess if this variant is too frequent to cause the disease. Based on the score and internal cut-off values, a variant classified as benign is not then subjected to further curation. The score for this variant resulted in a classification of benign for this disease.

Illumina Laboratory Services, Illumina
Classification: Benign for Isolated focal cortical dysplasia type II. Last evaluated: 2018-01-13. Review status: criteria provided, single submitter. Criteria: ICSL Variant Classification Criteria 13 December 2019. Collection method: clinical testing. Allele origin: germline.
Comment: the same text as in the submission from Illumina Laboratory Services, Illumina above.